The following is an entry in ClinVar:

ClinVar aggregate classification (germline): Uncertain significance. Review status: criteria provided, multiple submitters, no conflicts (2 of 4 stars). 2 submissions from 2 submitters: Uncertain significance (2). Last evaluated 2025-07-22.

Allele frequency attached by ClinVar (database versions not stated): gnomAD exomes 0.00001; TOPMed 0.00001; ExAC 0.00002; gnomAD 0.00003.

Submissions (2):

Labcorp Genetics (formerly Invitae), Labcorp
Classification: Uncertain significance. Last evaluated: 2025-07-22. Review status: criteria provided, single submitter. Criteria: Invitae Variant Classification Sherloc (09022015). Collection method: clinical testing. Allele origin: germline.
Comment: This sequence change replaces proline, which is neutral and non-polar, with serine, which is neutral and polar, at codon 58 of the OR2W3 protein (p.Pro58Ser). This variant is present in population databases (rs753135293, gnomAD 0.02%). This variant has not been reported in the literature in individuals affected with OR2W3-related conditions. ClinVar contains an entry for this variant (Variation ID: 2522599). An algorithm developed to predict the effect of missense changes on protein structure and function (PolyPhen-2) suggests that this variant is likely to be disruptive. In summary, the available evidence is currently insufficient to determine the role of this variant in disease. Therefore, it has been classified as a Variant of Uncertain Significance.

Ambry Genetics
Classification: Uncertain significance. Last evaluated: 2023-05-17. Review status: criteria provided, single submitter. Criteria: Ambry Variant Classification Scheme 2023. Collection method: clinical testing. Allele origin: germline.

NM_001001957.2(OR2W3):c.172C>T (p.Pro58Ser)

Gene: OR2W3 (olfactory receptor family 2 subfamily W member 3; plus strand). Cytogenetic location: 1q44.
Variant type: single nucleotide variant.
Coding change: c.172C>T on transcript NM_001001957.2 (MANE Select); coding-DNA position 172, C replaced by T.
Protein change: p.Pro58Ser; replaces proline 58 with serine.
Molecular consequence: missense variant.
Genome position (GRCh38, 1-based): chr1:247,895,758, C>T. VCF-style: chr1-247895758-C-T. GRCh37 (hg19) VCF-style: chr1-248059060-C-T.
Other names: short protein forms P58S.
Identifiers: ClinVar variation 2522599 (VCV002522599.3), dbSNP rs753135293, ClinGen allele CA1498529.